The following is an entry in ClinVar:

NM_015107.3(PHF8):c.1360A>C (p.Ile454Leu)

Gene: PHF8 (PHD finger protein 8; minus strand). Cytogenetic location: Xp11.22.
Variant type: single nucleotide variant.
Coding change: c.1360A>C on transcript NM_015107.3 (MANE Select); coding-DNA position 1360, A replaced by C.
Protein change: p.Ile454Leu; replaces isoleucine 454 with leucine.
Molecular consequence: missense variant. On other transcripts: intron variant (1).
Genome position (GRCh38, 1-based): chrX:53,993,867, T>G on the plus strand (A>C on the coding strand, the complement: PHF8 is on the minus strand). VCF-style: chrX-53993867-T-G. GRCh37 (hg19) VCF-style: chrX-54020300-T-G.
Other names: c.1468A>C, p.Ile490Leu (NM_001184896.1); c.1360A>C, p.Ile454Leu (NM_001184898.2); c.1324-1028A>C (NM_001184897.2); short protein forms I454L, I490L.
Identifiers: ClinVar variation 2572858 (VCV002572858.1), dbSNP rs2519571440, ClinGen allele CA413258301.

ClinVar aggregate classification (germline): Uncertain significance (1 of 4 stars; one submission).

Submission:

GeneDx
Classification: Uncertain significance. Last evaluated: 2023-01-13. Review status: criteria provided, single submitter. Criteria: GeneDx Variant Classification Process June 2021. Collection method: clinical testing. Allele origin: germline. Affected: yes.
Comment: Not observed at significant frequency in large population cohorts (gnomAD); In silico analysis supports that this missense variant does not alter protein structure/function; Has not been previously published as pathogenic or benign to our knowledge